The following is an entry in ClinVar:

ClinVar aggregate classification (germline): Likely pathogenic (1 of 4 stars; one submission).

Conditions:
Charcot-Marie-Tooth disease, type I (CMT1). Also called: Charcot-Marie-Tooth disease type 1; Charcot-Marie-Tooth, Type 1. Identifiers: Orphanet 65753, MedGen C0751036, MONDO:0019011.

Submission:

Labcorp Genetics (formerly Invitae), Labcorp
Classification: Likely pathogenic for Charcot-Marie-Tooth disease, type I. Last evaluated: 2022-04-01. Review status: criteria provided, single submitter. Criteria: Invitae Variant Classification Sherloc (09022015). Collection method: clinical testing. Allele origin: germline.
Comment: In summary, the currently available evidence indicates that the variant is pathogenic, but additional data are needed to prove that conclusively. Therefore, this variant has been classified as Likely Pathogenic. Algorithms developed to predict the effect of sequence changes on RNA splicing suggest that this variant may disrupt the consensus splice site. This variant has not been reported in the literature in individuals affected with MPZ-related conditions. This variant is not present in population databases (gnomAD no frequency). This sequence change affects a donor splice site in intron 3 of the MPZ gene. It is expected to disrupt RNA splicing. Variants that disrupt the donor or acceptor splice site typically lead to a loss of protein function (PMID: 16199547), and loss-of-function variants in MPZ are known to be pathogenic (PMID: 14711881).

Literature cited by the submitters: PubMed 16199547; PubMed 14711881.

NM_000530.8(MPZ):c.448+2T>A

Gene: MPZ (myelin protein zero; minus strand). Cytogenetic location: 1q23.3.
Variant type: single nucleotide variant.
Coding change: c.448+2T>A on transcript NM_000530.8 (MANE Select); the canonical splice donor site of the intron after coding-DNA position 448, T replaced by A.
Molecular consequence: splice donor variant.
Genome position (GRCh38, 1-based): chr1:161,306,706, A>T on the plus strand (T>A on the coding strand, the complement: MPZ is on the minus strand). VCF-style: chr1-161306706-A-T. GRCh37 (hg19) VCF-style: chr1-161276496-A-T.
Other names: c.448+2T>A (NM_001315491.2).
Identifiers: ClinVar variation 2120411 (VCV002120411.4), dbSNP rs1670257221, ClinGen allele CA343348060.